The following is an entry in ClinVar:

ClinVar aggregate classification (germline): Uncertain significance (1 of 4 stars; one submission).

gnomAD v4.1: 1 of 1,211,541 alleles (0.000083%); highest among the groups gnomAD compares: South Asian, 0.0018%; no homozygotes.

Submission:

CeGaT Center for Human Genetics Tuebingen
Classification: Uncertain significance. Last evaluated: 2026-02-01. Review status: criteria provided, single submitter. Criteria: CeGaT Center For Human Genetics Tuebingen Variant Classification Criteria Version 2. Collection method: clinical testing. Allele origin: germline. Affected: yes. Observed: 1 variant allele.
Comment: FLNA: PM2, PP3, PS4:Supporting

NM_001110556.2(FLNA):c.4159G>A (p.Gly1387Ser)

Gene: FLNA (filamin A; minus strand). Cytogenetic location: Xq28.
Variant type: single nucleotide variant.
Coding change: c.4159G>A on transcript NM_001110556.2 (MANE Select); coding-DNA position 4159, G replaced by A.
Protein change: p.Gly1387Ser; replaces glycine 1387 with serine.
Molecular consequence: missense variant.
Genome position (GRCh38, 1-based): chrX:154,359,390, C>T on the plus strand (G>A on the coding strand, the complement: FLNA is on the minus strand). VCF-style: chrX-154359390-C-T. GRCh37 (hg19) VCF-style: chrX-153587758-C-T.
Other names: c.4159G>A, p.Gly1387Ser (NM_001456.4); short protein forms G1387S.
Identifiers: ClinVar variation 4821943 (VCV004821943.4).